The following is an entry in ClinVar:

ClinVar aggregate classification (germline): Likely benign. Review status: criteria provided, multiple submitters, no conflicts (2 of 4 stars). 3 submissions from 3 submitters: Likely benign (2). 1 of the submissions does not count toward it. Last evaluated 2025-08-28.

Conditions:
CSPP1-related disorder. Also called: CSPP1-related condition.
Joubert syndrome 21 (JBTS21). Identifiers: MedGen C3810212, MONDO:0014288, OMIM 615636.

Allele frequency attached by ClinVar (database versions not stated): gnomAD 0.00011 and 0.00012; TOPMed 0.00014.
gnomAD v4.1: 29 of 1,582,156 alleles (0.0018%); highest among the groups gnomAD compares: African/African-American, 0.034%; no homozygotes.

Submissions (3):

Labcorp Genetics (formerly Invitae), Labcorp
Classification: Likely benign for Joubert syndrome 21. Last evaluated: 2025-08-28. Review status: criteria provided, single submitter. Criteria: Invitae Variant Classification Sherloc (09022015). Collection method: clinical testing. Allele origin: germline.

Blueprint Genetics
Classification: Likely benign. Last evaluated: 2022-08-22. Review status: criteria provided, single submitter. Criteria: ACMG Guidelines, 2015. Collection method: clinical testing. Allele origin: germline.

PreventionGenetics, part of Exact Sciences
Classification: Likely benign for CSPP1-related condition. Last evaluated: 2019-08-29. Review status: no assertion criteria provided. Collection method: clinical testing. Allele origin: germline. Not counted in ClinVar's aggregate classification.
Comment: This variant is classified as likely benign based on ACMG/AMP sequence variant interpretation guidelines (Richards et al. 2015 PMID: 25741868, with internal and published modifications).

NM_001382391.1(CSPP1):c.1995C>T (p.His665=)

Gene: CSPP1 (centrosome and spindle pole associated protein 1; plus strand). Cytogenetic location: 8q13.2.
Variant type: single nucleotide variant.
Coding change: c.1995C>T on transcript NM_001382391.1 (MANE Select); coding-DNA position 1995, C replaced by T.
Protein change: p.His665=; no amino-acid change (histidine 665 retained).
Molecular consequence: synonymous variant. On other transcripts: intron variant (3).
Genome position (GRCh38, 1-based): chr8:67,149,802, C>T. VCF-style: chr8-67149802-C-T. GRCh37 (hg19) VCF-style: chr8-68062037-C-T.
Other names: c.1914C>T, p.His638= (NM_001363131.2); c.2061C>T, p.His687= (NM_001364869.1); c.1881C>T, p.His627= (NM_001364870.1); c.1980C>T, p.His660= (NM_024790.7); c.1934-4222C>T (NM_001363132.2); c.1853-4222C>T (NM_001363133.2); c.1079-4222C>T (NM_001291339.2).
Identifiers: ClinVar variation 1087412 (VCV001087412.12), dbSNP rs746724587, ClinGen allele CA4770719.